The following is an entry in ClinVar:

ClinVar aggregate classification (germline): Pathogenic (1 of 4 stars; one submission).

Conditions:
Generalized epilepsy with febrile seizures plus, type 2 (GEFSP2). Also called: GEFS+, TYPE 2. Identifiers: Orphanet 36387, MedGen C1858673, MONDO:0011461, OMIM 604403.

Submission:

Victorian Clinical Genetics Services, Murdoch Childrens Research Institute
Classification: Pathogenic for Generalized epilepsy with febrile seizures plus, type 2. Last evaluated: 2022-02-02. Review status: criteria provided, single submitter. Criteria: ACMG Guidelines, 2015. Collection method: clinical testing. Allele origin: germline. Inheritance: Autosomal dominant inheritance.
Comment: Based on the classification scheme VCGS_Germline_v1.3.4, this variant is classified as Pathogenic. Following criteria are met: 0103 - Loss of function and gain of function are known mechanisms of disease in this gene and are associated with SCN1A-related epilepsy (PMID: 28488083). (I) 0107 - This gene is associated with autosomal dominant disease. (I) 0201 - Variant is predicted to cause nonsense-mediated decay (NMD) and loss of protein (premature termination codon is located at least 54 nucleotides upstream of the final exon-exon junction). (SP) 0251 - This variant is heterozygous. (I) 0301 - Variant is absent from gnomAD (both v2 and v3). (SP) 0701 - Other variants predicted to result in NMD comparable to the one identified in this case have very strong previous evidence for pathogenicity (DECIPHER). (SP) 0807 - This variant has no previous evidence of pathogenicity. (I) 0905 - No published segregation evidence has been identified for this variant. (I) 1007 - No published functional evidence has been identified for this variant. (SP) Legend: (SP) - Supporting pathogenic, (I) - Information, (SB) - Supporting benign

Literature cited by the submitters: PubMed 28488083.

NM_001165963.4(SCN1A):c.1210del (p.Val404fs)

Gene: SCN1A (sodium voltage-gated channel alpha subunit 1; minus strand). Cytogenetic location: 2q24.3.
Variant type: Deletion.
Coding change: c.1210del on transcript NM_001165963.4 (MANE Select); coding-DNA position 1210, one base deleted (G; older notation c.1210delG).
Protein change: p.Val404fs; shifts the reading frame from valine 404.
Molecular consequence: frameshift variant. On other transcripts: 5 prime UTR variant (1), non-coding transcript variant (1).
Genome position (GRCh38, 1-based): chr2:166,046,937, C deleted on the plus strand (G on the coding strand, the reverse complement: SCN1A is on the minus strand). VCF-style (leftmost placement, unchanged base first): chr2-166046936-AC-A. GRCh37 (hg19) VCF-style: chr2-166903446-AC-A.
Other names: c.1210del, p.Val404fs (NM_001165964.3, NM_001202435.3, NM_001353948.2 and 10 more transcripts); c.-1216del (NM_001353961.2); short protein forms V404fs.
Identifiers: ClinVar variation 1805409 (VCV001805409.1), dbSNP rs2468182191, ClinGen allele CA2573050689.